The following is an entry in ClinVar:

NM_003072.5(SMARCA4):c.3956T>C (p.Met1319Thr)

Gene: SMARCA4 (SWI/SNF related BAF chromatin remodeling complex subunit ATPase 4; plus strand). Cytogenetic location: 19p13.2.
Variant type: single nucleotide variant.
Coding change: c.3956T>C on transcript NM_003072.5 (MANE Select); coding-DNA position 3956, T replaced by C.
Protein change: p.Met1319Thr; replaces methionine 1319 with threonine.
Molecular consequence: missense variant. On other transcripts: non-coding transcript variant (1).
Genome position (GRCh38, 1-based): chr19:11,034,918, T>C. VCF-style: chr19-11034918-T-C. GRCh37 (hg19) VCF-style: chr19-11145594-T-C.
Other names: c.3956T>C, p.Met1319Thr (NM_001128844.3, NM_001128849.3); c.3857T>C, p.Met1286Thr (NM_001128845.2, NM_001128846.2, NM_001128847.4 and 2 more transcripts); short protein forms M1286T, M1319T.
Identifiers: ClinVar variation 842392 (VCV000842392.12), dbSNP rs2075174760, ClinGen allele CA404067989.

ClinVar aggregate classification (germline): Uncertain significance. Review status: criteria provided, multiple submitters, no conflicts (2 of 4 stars). 3 submissions from 3 submitters: Uncertain significance (3). Last evaluated 2025-10-20.

Conditions:
Hereditary cancer-predisposing syndrome. Also called: Hereditary Cancer Syndrome; Neoplastic Syndromes, Hereditary; Hereditary neoplastic syndrome; Tumor predisposition. Identifiers: Orphanet 140162, MedGen C0027672, MeSH D009386, MONDO:0015356.
Rhabdoid tumor predisposition syndrome 2 (RTPS2). Identifiers: Orphanet 231108, Orphanet 69077, MedGen C2750074, MONDO:0013224, OMIM 613325.

Allele frequency attached by ClinVar (database versions not stated): gnomAD exomes below 0.00001.

Submissions (3):

Ambry Genetics
Classification: Uncertain significance for Hereditary cancer-predisposing syndrome. Last evaluated: 2025-10-20. Review status: criteria provided, single submitter. Criteria: Ambry Variant Classification Scheme 2023. Collection method: clinical testing. Allele origin: germline.
Comment: The p.M1319T variant (also known as c.3956T>C), located in coding exon 28 of the SMARCA4 gene, results from a T to C substitution at nucleotide position 3956. The methionine at codon 1319 is replaced by threonine, an amino acid with similar properties. This amino acid position is highly conserved in available vertebrate species. In addition, this alteration is predicted to be deleterious by in silico analysis. Based on the available evidence, the clinical significance of this variant remains unclear.

Blueprint Genetics
Classification: Uncertain significance. Last evaluated: 2022-05-24. Review status: criteria provided, single submitter. Criteria: ACMG Guidelines, 2015. Collection method: clinical testing. Allele origin: germline.

Labcorp Genetics (formerly Invitae), Labcorp
Classification: Uncertain significance for Rhabdoid tumor predisposition syndrome 2. Last evaluated: 2019-03-26. Review status: criteria provided, single submitter. Criteria: Invitae Variant Classification Sherloc (09022015). Collection method: clinical testing. Allele origin: germline.
Comment: This variant is not present in population databases (ExAC no frequency). This sequence change replaces methionine with threonine at codon 1319 of the SMARCA4 protein (p.Met1319Thr). The methionine residue is highly conserved and there is a moderate physicochemical difference between methionine and threonine. This variant has not been reported in the literature in individuals with SMARCA4-related conditions. In summary, the available evidence is currently insufficient to determine the role of this variant in disease. Therefore, it has been classified as a Variant of Uncertain Significance. Algorithms developed to predict the effect of missense changes on protein structure and function (SIFT, PolyPhen-2, Align-GVGD) all suggest that this variant is likely to be disruptive, but these predictions have not been confirmed by published functional studies and their clinical significance is uncertain.